The following is an entry in ClinVar:

ClinVar aggregate classification (germline): Pathogenic. Review status: criteria provided, multiple submitters, no conflicts (2 of 4 stars). 2 submissions from 2 submitters: Pathogenic (2). Last evaluated 2024-06-12.

Conditions:
Nephronophthisis. Also called: Juvenile Nephronophthisis. Identifiers: Orphanet 655, MedGen C0687120, MONDO:0019005, HP:0000090.
Nephronophthisis 3 (NPHP3). Also called: Adolescent nephronophthisis. Identifiers: Orphanet 655, MedGen C1858392, MONDO:0011456, OMIM 604387.
NPHP3-related Meckel-like syndrome. Also called: Meckel syndrome type 7; GOLDSTON SYNDROME. Identifiers: Orphanet 3032, MedGen C2673885, MONDO:0009966, OMIM 267010.
Renal-hepatic-pancreatic dysplasia 1 (RHPD1). Identifiers: MedGen C3715199, MONDO:0008833, OMIM 208540.

Submissions (2):

Fulgent Genetics
Classification: Pathogenic for Renal-hepatic-pancreatic dysplasia 1; NPHP3-related Meckel-like syndrome; Nephronophthisis 3. Last evaluated: 2024-06-12. Review status: criteria provided, single submitter. Criteria: ACMG Guidelines, 2015. Collection method: clinical testing. Allele origin: germline.

Labcorp Genetics (formerly Invitae), Labcorp
Classification: Pathogenic for Nephronophthisis. Last evaluated: 2024-04-10. Review status: criteria provided, single submitter. Criteria: Invitae Variant Classification Sherloc (09022015). Collection method: clinical testing. Allele origin: germline.
Comment: This sequence change creates a premature translational stop signal (p.Ala1135Serfs*5) in the NPHP3 gene. It is expected to result in an absent or disrupted protein product. Loss-of-function variants in NPHP3 are known to be pathogenic (PMID: 18371931, 23559409). This variant is present in population databases (rs746849675, gnomAD 0.02%). This premature translational stop signal has been observed in individual(s) with renal-hepatic-pancreatic dysplasia (PMID: 30734414). Algorithms developed to predict the effect of sequence changes on RNA splicing suggest that this variant may disrupt the consensus splice site. For these reasons, this variant has been classified as Pathogenic.

Literature cited by the submitters: PubMed 18371931 (cited by Labcorp Genetics (formerly Invitae), Labcorp); PubMed 23559409 (cited by Labcorp Genetics (formerly Invitae), Labcorp); PubMed 30734414 (cited by Labcorp Genetics (formerly Invitae), Labcorp).

NM_153240.5(NPHP3):c.3402_3403del (p.Ala1135fs)

Genes: NPHP3 (nephrocystin 3; minus strand), NPHP3-ACAD11 (NPHP3-ACAD11 readthrough (NMD candidate); minus strand). Cytogenetic location: 3q22.1.
Variant type: Microsatellite.
Coding change: c.3402_3403del on transcript NM_153240.5 (MANE Select); coding-DNA positions 3402 to 3403, 2 bases deleted (TG; older notation c.3402_3403delTG).
Protein change: p.Ala1135fs; shifts the reading frame from alanine 1135.
Molecular consequence: frameshift variant. On other transcripts: non-coding transcript variant (1).
Genome position (GRCh38, 1-based): chr3:132,684,721-132,684,722, CA deleted on the plus strand (TG on the coding strand, the reverse complement: NPHP3 is on the minus strand); deleting any 2 consecutive bases within chr3:132,684,721-132,684,724 gives the same sequence; the c. name uses the placement nearest the transcript's 3' end. VCF-style (leftmost placement, unchanged base first): chr3-132684720-GCA-G. GRCh37 (hg19) VCF-style: chr3-132403564-GCA-G.
Other names: short protein forms A1135fs.
Identifiers: ClinVar variation 1069581 (VCV001069581.10), dbSNP rs746849675, ClinGen allele CA2621750.